The following is an entry in ClinVar:

NM_000372.5(TYR):c.1088A>G (p.His363Arg)

Gene: TYR (tyrosinase; plus strand). Cytogenetic location: 11q14.3.
Variant type: single nucleotide variant.
Coding change: c.1088A>G on transcript NM_000372.5 (MANE Select); coding-DNA position 1088, A replaced by G.
Protein change: p.His363Arg; replaces histidine 363 with arginine.
Molecular consequence: missense variant.
Genome position (GRCh38, 1-based): chr11:89,227,874, A>G. VCF-style: chr11-89227874-A-G. GRCh37 (hg19) VCF-style: chr11-88961042-A-G.
Other names: short protein forms H363R.
Identifiers: ClinVar variation 4077111 (VCV004077111.1).
Genomic context (GRCh38, chr11:89,227,874, plus strand): 5'-AATGAACAGGATTTGCTAGTCCACTTACTGGGATAGCGGATGCCTCTCAAAGCAGCATGC[A>G]CAATGCCTTGCACATCTATATGAATGGAACAATGTCCCAGGTACAGGGATCTGCCAACGA-3'
Protein context (NP_000363.1, residues 353-373): GIADASQSSM[His363Arg]NALHIYMNGT

ClinVar aggregate classification (germline): Likely pathogenic (1 of 4 stars; one submission).

Conditions:
Oculocutaneous albinism type 1B (OCA1B). Also called: ALBINISM, OCULOCUTANEOUS, TYPE IB; ALBINISM, YELLOW MUTANT TYPE; YELLOW ALBINISM. Identifiers: Orphanet 352731, Orphanet 352737, Orphanet 79434, MedGen C1847024, MONDO:0011749, OMIM 606952.
Oculocutaneous albinism type 1A (OCA1A). Also called: Albinism, oculocutaneous, type IA. Identifiers: Orphanet 352731, Orphanet 79431, MedGen C4551504, MONDO:0008745, OMIM 203100. Disease mechanism: loss of function.

gnomAD v4.1: 1 of 1,613,482 alleles (0.000062%); highest among the groups gnomAD compares: East Asian, 0.0022%; no homozygotes.

Submission:

Laboratory of Genetic Epidemiology, Research Centre for Medical Genetics
Classification: Likely pathogenic for Oculocutaneous albinism type 1A; Oculocutaneous albinism type 1B. Last evaluated: 2025-01-01. Review status: criteria provided, single submitter. Criteria: ACMG Guidelines, 2015. Collection method: clinical testing. Allele origin: unknown. Inheritance: Autosomal recessive inheritance. Affected: yes. Observed: 1 heterozygote.
Comment: This variant has not been previously reported in the literature and is listed in gnomAD v3.1.2 with allele frequency 0.000006 (1/152150). The affected amino acid position is lead to destruction one of the copper binding site (His363). The affected amino acid position is evolutionarily conserved, and multiple in silico prediction tools support a deleterious effect. We assume that this variant is highly likely to be in trans-position with the likely pathogenic variant NM_000372.5:c.325G>A, p.(Gly109Arg) in proband; therefore, based on the literature (PMID: 30311386), we apply the ACMG pathogenic criterion PM3 Supporting. Taken together, the variant meets the following ACMG/AMP criteria and can be classified as likely pathogenic with PM2, PM1, PM3, PP4 criteria.

Literature cited by the submitters: PubMed 41428507.